The following is an entry in ClinVar:

NM_015557.3(CHD5):c.5024A>T (p.Lys1675Met)

Gene: CHD5 (chromodomain helicase DNA binding protein 5; minus strand). Cytogenetic location: 1p36.31.
Variant type: single nucleotide variant.
Coding change: c.5024A>T on transcript NM_015557.3 (MANE Select); coding-DNA position 5024, A replaced by T.
Protein change: p.Lys1675Met; replaces lysine 1675 with methionine.
Molecular consequence: missense variant.
Genome position (GRCh38, 1-based): chr1:6,112,256, T>A on the plus strand (A>T on the coding strand, the complement: CHD5 is on the minus strand). VCF-style: chr1-6112256-T-A. GRCh37 (hg19) VCF-style: chr1-6172316-T-A.
Other names: short protein forms K1675M.
Identifiers: ClinVar variation 3391617 (VCV003391617.2).

ClinVar aggregate classification (germline): Uncertain significance (1 of 4 stars; one submission).

gnomAD v4.1: 1 of 1,614,212 alleles (0.000062%); highest among the groups gnomAD compares: Non-Finnish European, 0.000085%; no homozygotes.

Submission:

GeneDx
Classification: Uncertain significance. Last evaluated: 2025-04-07. Review status: criteria provided, single submitter. Criteria: GeneDx Variant Classification Process June 2021. Collection method: clinical testing. Allele origin: germline.
Comment: Not observed at significant frequency in large population cohorts (gnomAD); In silico analysis supports that this missense variant has a deleterious effect on protein structure/function; Has not been previously published as pathogenic or benign to our knowledge